The following is an entry in ClinVar:

ClinVar aggregate classification (germline): Uncertain significance (1 of 4 stars; one submission).

Submission:

Labcorp Genetics (formerly Invitae), Labcorp
Classification: Uncertain significance. Last evaluated: 2024-02-11. Review status: criteria provided, single submitter. Criteria: Invitae Variant Classification Sherloc (09022015). Collection method: clinical testing. Allele origin: germline.
Comment: This sequence change replaces leucine, which is neutral and non-polar, with arginine, which is basic and polar, at codon 29 of the MRAS protein (p.Leu29Arg). This variant is not present in population databases (gnomAD no frequency). This variant has not been reported in the literature in individuals affected with MRAS-related conditions. An algorithm developed to predict the effect of missense changes on protein structure and function (PolyPhen-2) suggests that this variant is likely to be disruptive. In summary, the available evidence is currently insufficient to determine the role of this variant in disease. Therefore, it has been classified as a Variant of Uncertain Significance.

NM_001085049.3(MRAS):c.86T>G (p.Leu29Arg)

Gene: MRAS (muscle RAS oncogene homolog; plus strand). Cytogenetic location: 3q22.3.
Variant type: single nucleotide variant.
Coding change: c.86T>G on transcript NM_001085049.3 (MANE Select); coding-DNA position 86, T replaced by G.
Protein change: p.Leu29Arg; replaces leucine 29 with arginine.
Molecular consequence: missense variant. On other transcripts: intron variant (3).
Genome position (GRCh38, 1-based): chr3:138,372,969, T>G. VCF-style: chr3-138372969-T-G. GRCh37 (hg19) VCF-style: chr3-138091811-T-G.
Other names: c.86T>G, p.Leu29Arg (NM_001252090.2, NM_012219.4); c.-35-24355T>G (NM_001252091.1); c.-36+24202T>G (NM_001252093.2); c.-36+23937T>G (NM_001252092.2); short protein forms L29R.
Identifiers: ClinVar variation 3634778 (VCV003634778.2).
Genomic context (GRCh38, chr3:138,372,969, plus strand): 5'-ACAACCTCCCCACATACAAGCTGGTGGTGGTGGGGGATGGGGGTGTGGGCAAAAGTGCCC[T>G]CACCATCCAGTTTTTCCAGAAGATCTTTGTGCCTGACTATGACCCCACCATTGAAGACTC-3'
Protein context (NP_001078518.1, residues 19-39): VGDGGVGKSA[Leu29Arg]TIQFFQKIFV